The following is an entry in ClinVar:

ClinVar aggregate classification (germline): Likely benign (0 of 4 stars; one submission).

Conditions:
PI4KA-related disorder. Also called: PI4KA-related disorders; PI4KA-related condition. Identifiers: MedGen CN378147, MONDO:1040012.

Allele frequency attached by ClinVar (database versions not stated): gnomAD exomes 0.00006; TOPMed 0.00007; gnomAD 0.00009; ExAC 0.00023; 1000 Genomes Project 30x 0.00047; 1000 Genomes Project 0.00060.
gnomAD v4.1: 101 of 1,613,402 alleles (0.0063%); highest among the groups gnomAD compares: East Asian, 0.21%; 1 homozygote.

Submission:

PreventionGenetics, part of Exact Sciences
Classification: Likely benign for PI4KA-related condition. Last evaluated: 2022-05-27. Review status: no assertion criteria provided. Collection method: clinical testing. Allele origin: germline.
Comment: This variant is classified as likely benign based on ACMG/AMP sequence variant interpretation guidelines (Richards et al. 2015 PMID: 25741868, with internal and published modifications).

NM_058004.4(PI4KA):c.405G>A (p.Leu135=)

Gene: PI4KA (phosphatidylinositol 4-kinase alpha; minus strand). Cytogenetic location: 22q11.21.
Variant type: single nucleotide variant.
Coding change: c.405G>A on transcript NM_058004.4 (MANE Select); coding-DNA position 405, G replaced by A.
Protein change: p.Leu135=; no amino-acid change (leucine 135 retained).
Molecular consequence: synonymous variant.
Genome position (GRCh38, 1-based): chr22:20,824,377, C>T on the plus strand (G>A on the coding strand, the complement: PI4KA is on the minus strand). VCF-style: chr22-20824377-C-T. GRCh37 (hg19) VCF-style: chr22-21178665-C-T.
Other names: c.405G>A, p.Leu135= (NM_001362862.2, NM_001362863.2).
Identifiers: ClinVar variation 3054148 (VCV003054148.2), dbSNP rs528037838, ClinGen allele CA10116819.